The following is an entry in ClinVar:

ClinVar aggregate classification (germline): Uncertain significance (1 of 4 stars; one submission).

Conditions:
Retinoblastoma (RB1). Also called: RETINOBLASTOMA, SOMATIC. Identifiers: Orphanet 790, MedGen C0035335, MeSH D012175, MONDO:0008380, OMIM 180200, HP:0009919. Disease mechanism: loss of function. Inheritance: Both sporadic and heritable forms are tested..

Submission:

All of Us Research Program, National Institutes of Health
Classification: Uncertain significance for Retinoblastoma. Last evaluated: 2024-04-25. Review status: criteria provided, single submitter. Criteria: ACMG Guidelines, 2015. Collection method: clinical testing. Allele origin: germline. Inheritance: Autosomal dominant inheritance. Observed: 1 variant allele, 1 heterozygote.
Comment: This variant causes a T to G nucleotide substitution at the +4 position of intron 10/26 of the RB1 gene. To our knowledge, RNA studies have not been reported for this variant. This variant has not been reported in individuals affected with RB1-related disorders in the literature. This variant has not been identified in the general population by the Genome Aggregation Database (gnomAD). The available evidence is insufficient to determine the role of this variant in disease conclusively. Therefore, this variant is classified as a Variant of Uncertain Significance.

This study involves interpretation of variants in research participants for the purpose of population health screening. Participant phenotype was not available at the time of variant classification. Additional details can be found in publication PMID: 35346344, PMCID: PMC8962531

NM_000321.3(RB1):c.1049+4T>G

Gene: RB1 (RB transcriptional corepressor 1; plus strand). Cytogenetic location: 13q14.2.
Variant type: single nucleotide variant.
Coding change: c.1049+4T>G on transcript NM_000321.3 (MANE Select); 4 bases into the intron after coding-DNA position 1049, T replaced by G.
Molecular consequence: intron variant.
Genome position (GRCh38, 1-based): chr13:48,367,607, T>G. VCF-style: chr13-48367607-T-G. GRCh37 (hg19) VCF-style: chr13-48941743-T-G.
Other names: c.1049+4T>G (NM_001407165.1, NM_001407166.1).
Identifiers: ClinVar variation 3387564 (VCV003387564.1).